The following is an entry in ClinVar:

NM_000541.5(SAG):c.332T>G (p.Leu111Arg)

Gene: SAG (S-antigen visual arrestin; plus strand). Cytogenetic location: 2q37.1.
Variant type: single nucleotide variant.
Coding change: c.332T>G on transcript NM_000541.5 (MANE Select); coding-DNA position 332, T replaced by G.
Protein change: p.Leu111Arg; replaces leucine 111 with arginine.
Molecular consequence: missense variant.
Genome position (GRCh38, 1-based): chr2:233,320,780, T>G. VCF-style: chr2-233320780-T-G. GRCh37 (hg19) VCF-style: chr2-234229426-T-G.
Other names: short protein forms L111R.
Identifiers: ClinVar variation 2126361 (VCV002126361.4), dbSNP rs2469766438, ClinGen allele CA351046564.
Genomic context (GRCh38, chr2:233,320,780, plus strand): 5'-GGGTCCAGGTGTATCCTCCTGTGGGGGCCGCGAGCACCCCCACAAAACTGCAAGAGAGCC[T>G]GCTTAAAAAGCTGGGGAGCAACACGTACCCCTTTCTCCTGACGGTGGGTGACTCCTCCGG-3'
Protein context (NP_000532.2, residues 101-121): ASTPTKLQES[Leu111Arg]LKKLGSNTYP

ClinVar aggregate classification (germline): Uncertain significance (1 of 4 stars; one submission).

Submission:

Labcorp Genetics (formerly Invitae), Labcorp
Classification: Uncertain significance. Last evaluated: 2025-03-17. Review status: criteria provided, single submitter. Criteria: Invitae Variant Classification Sherloc (09022015). Collection method: clinical testing. Allele origin: germline.
Comment: This sequence change replaces leucine, which is neutral and non-polar, with arginine, which is basic and polar, at codon 111 of the SAG protein (p.Leu111Arg). This variant is not present in population databases (gnomAD no frequency). This variant has not been reported in the literature in individuals affected with SAG-related conditions. ClinVar contains an entry for this variant (Variation ID: 2126361). Invitae Evidence Modeling of protein sequence and biophysical properties (such as structural, functional, and spatial information, amino acid conservation, physicochemical variation, residue mobility, and thermodynamic stability) indicates that this missense variant is expected to disrupt SAG protein function with a positive predictive value of 80%. In summary, the available evidence is currently insufficient to determine the role of this variant in disease. Therefore, it has been classified as a Variant of Uncertain Significance.